The following is an entry in ClinVar:

NM_172364.5(CACNA2D4):c.1504C>G (p.Gln502Glu)

Gene: CACNA2D4 (calcium voltage-gated channel auxiliary subunit alpha2delta 4; minus strand). Cytogenetic location: 12p13.33.
Variant type: single nucleotide variant.
Coding change: c.1504C>G on transcript NM_172364.5 (MANE Select); coding-DNA position 1504, C replaced by G.
Protein change: p.Gln502Glu; replaces glutamine 502 with glutamic acid.
Molecular consequence: missense variant.
Genome position (GRCh38, 1-based): chr12:1,879,863, G>C on the plus strand (C>G on the coding strand, the complement: CACNA2D4 is on the minus strand). VCF-style: chr12-1879863-G-C. GRCh37 (hg19) VCF-style: chr12-1989029-G-C.
Other names: short protein forms Q502E.
Identifiers: ClinVar variation 1357557 (VCV001357557.8), dbSNP rs750636655, ClinGen allele CA231552217.

ClinVar aggregate classification (germline): Uncertain significance (1 of 4 stars; one submission).

Allele frequency attached by ClinVar (database versions not stated): gnomAD 0.00001.
gnomAD v4.1: 2 of 1,599,364 alleles (0.00013%); highest among the groups gnomAD compares: African/African-American, 0.0027%; no homozygotes.

Submission:

Labcorp Genetics (formerly Invitae), Labcorp
Classification: Uncertain significance. Last evaluated: 2023-07-21. Review status: criteria provided, single submitter. Criteria: Invitae Variant Classification Sherloc (09022015). Collection method: clinical testing. Allele origin: germline.
Comment: In summary, the available evidence is currently insufficient to determine the role of this variant in disease. Therefore, it has been classified as a Variant of Uncertain Significance. Algorithms developed to predict the effect of missense changes on protein structure and function output the following: SIFT: "Not Available"; PolyPhen-2: "Benign"; Align-GVGD: "Not Available". The glutamic acid amino acid residue is found in multiple mammalian species, which suggests that this missense change does not adversely affect protein function. This sequence change replaces glutamine, which is neutral and polar, with glutamic acid, which is acidic and polar, at codon 502 of the CACNA2D4 protein (p.Gln502Glu). This variant is not present in population databases (gnomAD no frequency). This variant has not been reported in the literature in individuals affected with CACNA2D4-related conditions. ClinVar contains an entry for this variant (Variation ID: 1357557).